The following is an entry in ClinVar:

NM_003900.5(SQSTM1):c.816_817del (p.Pro273fs)

Gene: SQSTM1 (sequestosome 1; plus strand). Cytogenetic location: 5q35.3.
Variant type: Microsatellite.
Coding change: c.816_817del on transcript NM_003900.5 (MANE Select); coding-DNA positions 816 to 817, 2 bases deleted (TC; older notation c.816_817delTC).
Protein change: p.Pro273fs; shifts the reading frame from proline 273.
Molecular consequence: frameshift variant.
Genome position (GRCh38, 1-based): chr5:179,833,093-179,833,094, TC deleted; deleting any 2 consecutive bases within chr5:179,833,089-179,833,094 gives the same sequence; the c. name uses the placement nearest the transcript's 3' end. VCF-style (leftmost placement, unchanged base first): chr5-179833088-GTC-G. GRCh37 (hg19) VCF-style: chr5-179260088-GTC-G.
Other names: c.564_565del, p.Pro189fs (NM_001142298.2, NM_001142299.2); short protein forms P189fs, P273fs.
Identifiers: ClinVar variation 5006879 (VCV005006879.2).

ClinVar aggregate classification (germline): Likely pathogenic (1 of 4 stars; one submission).

Conditions:
Myopathy, distal, with rimmed vacuoles (DMRV). Also called: MULTISYSTEM PROTEINOPATHY 4. Identifiers: MedGen C5399975, MONDO:0014945, OMIM 617158.
Neurodegeneration with ataxia, dystonia, and gaze palsy, childhood-onset (NADGP). Identifiers: MedGen C4310693, MONDO:0014940, OMIM 617145.
Paget disease of bone 3. Identifiers: MedGen C4085252, MONDO:0008176, OMIM 167250.
Frontotemporal dementia and/or amyotrophic lateral sclerosis 3. Also called: FTDALS3. Identifiers: Orphanet 275864, Orphanet 275872, Orphanet 803, MedGen C4225326, MONDO:0014640, OMIM 616437.

Submission:

Juno Genomics, Hangzhou Juno Genomics, Inc
Classification: Likely pathogenic for Frontotemporal dementia and/or amyotrophic lateral sclerosis 3; Myopathy, distal, with rimmed vacuoles; Neurodegeneration with ataxia, dystonia, and gaze palsy, childhood-onset; Paget disease of bone 3. Review status: criteria provided, single submitter. Criteria: ACMG Guidelines, 2015. Collection method: clinical testing. Allele origin: germline.
Comment: Null variant in a gene where loss of function (LOF) is a known mechanism of disease.;Absent from controls (or at extremely low frequency if recessive) in Genome Aggregation Database.